The following is an entry in ClinVar:

NM_000751.3(CHRND):c.298G>C (p.Val100Leu)

Gene: CHRND (cholinergic receptor nicotinic delta subunit; plus strand). Cytogenetic location: 2q37.1.
Variant type: single nucleotide variant.
Coding change: c.298G>C on transcript NM_000751.3 (MANE Select); coding-DNA position 298, G replaced by C.
Protein change: p.Val100Leu; replaces valine 100 with leucine.
Molecular consequence: missense variant. On other transcripts: synonymous variant (2).
Genome position (GRCh38, 1-based): chr2:232,528,316, G>C. VCF-style: chr2-232528316-G-C. GRCh37 (hg19) VCF-style: chr2-233393026-G-C.
Other names: c.253G>C, p.Val85Leu (NM_001256657.2); c.27G>C, p.Val9= (NM_001311195.2, NM_001311196.2); short protein forms V100L, V85L.
Identifiers: ClinVar variation 1381924 (VCV001381924.8), dbSNP rs955184518, ClinGen allele CA66951630.

ClinVar aggregate classification (germline): Uncertain significance (1 of 4 stars; one submission).

Conditions:
Lethal multiple pterygium syndrome (LMPS). Identifiers: Orphanet 33108, MedGen C1854678, MONDO:0009668, OMIM 253290.

Allele frequency attached by ClinVar (database versions not stated): TOPMed below 0.00001.
gnomAD v4.1: 2 of 1,614,108 alleles (0.00012%); highest among the groups gnomAD compares: Non-Finnish European, 0.00017%; no homozygotes.

Submission:

Labcorp Genetics (formerly Invitae), Labcorp
Classification: Uncertain significance for Lethal multiple pterygium syndrome. Last evaluated: 2022-06-20. Review status: criteria provided, single submitter. Criteria: Invitae Variant Classification Sherloc (09022015). Collection method: clinical testing. Allele origin: germline.
Comment: In summary, the available evidence is currently insufficient to determine the role of this variant in disease. Therefore, it has been classified as a Variant of Uncertain Significance. Advanced modeling of protein sequence and biophysical properties (such as structural, functional, and spatial information, amino acid conservation, physicochemical variation, residue mobility, and thermodynamic stability) performed at Invitae indicates that this missense variant is not expected to disrupt CHRND protein function. This variant has not been reported in the literature in individuals affected with CHRND-related conditions. This variant is not present in population databases (gnomAD no frequency). This sequence change replaces valine, which is neutral and non-polar, with leucine, which is neutral and non-polar, at codon 100 of the CHRND protein (p.Val100Leu).